The following is an entry in ClinVar:

ClinVar aggregate classification (germline): Likely pathogenic (1 of 4 stars; one submission).

Submission:

Quest Diagnostics Nichols Institute San Juan Capistrano
Classification: Likely pathogenic. Last evaluated: 2023-05-08. Review status: criteria provided, single submitter. Criteria: ACMG/ClinGen CNV Guidelines, 2019. Collection method: clinical testing. Allele origin: unknown.
Comment: This loss overlaps the distal portion of the 17q21.3 recurrent region (Koolen 2023) and involves exons 3-6 (NM_001193466.2) of KANSL1 (OMIM 612452). Haploinsufficiency of KANSL1 is associated with autosomal dominant Koolen-de Vries syndrome (KdVS; OMIM 610443, French 2021, Koolen 2012, Koolen 2023, Kosmicki 2017, Turner 2019, Zollino 2012). Although there are two similar copy number losses of this region in the general populations of the Database of Genomic Variants, this intragenic deletion of KANSL1 is expected to result in nonsense-mediated mRNA decay (NMD). Therefore, this copy number variant (CNV) is classified as likely pathogenic. References: De Jong et al., BMC Genomics. 2012 Sep 6;13:458. PMID: 22950410 French et al., HGG Adv. 2022 Apr 25;3(3):100113. PMID: 35586607 Koolen et al., GeneReviews. 2023 Feb 2. PMID: 20301783 Koolen et al., Nat Genet. 2012 Apr 29;44(6):639-41. PMID: 22544363 Kosmicki et al., Nat Genet. 2017 Apr;49(4):504-510. PMID: 28191890 Turner et al., Am J Hum Genet. 2019 Dec 5;105(6):1274-1285. PMID: 31785789 Zollino et al., Nat Genet. 2012 Apr 29;44(6):636-8. PMID: 22544367

GRCh37/hg19 17q21.31(chr17:44135737-44212416)x1

Gene: KANSL1 (KAT8 regulatory NSL complex subunit 1). Cytogenetic location: 17q21.31.
Variant type: copy number loss.
Change: copy number 1 (one copy instead of two) of chr17:44,135,737-44,212,416 (76.7 kb, GRCh37 coordinates, 1-based), cytogenetic band 17q21.31.
Identifiers: ClinVar variation 2685602 (VCV002685602.1).